The following is an entry in ClinVar:

NM_001843.4(CNTN1):c.107A>G (p.Asp36Gly)

Gene: CNTN1 (contactin 1; plus strand). Cytogenetic location: 12q12.
Variant type: single nucleotide variant.
Coding change: c.107A>G on transcript NM_001843.4 (MANE Select); coding-DNA position 107, A replaced by G.
Protein change: p.Asp36Gly; replaces aspartic acid 36 with glycine.
Molecular consequence: missense variant.
Genome position (GRCh38, 1-based): chr12:40,918,651, A>G. VCF-style: chr12-40918651-A-G. GRCh37 (hg19) VCF-style: chr12-41312453-A-G.
Other names: c.107A>G, p.Asp36Gly (NM_001256063.2, NM_001256064.2); c.74A>G, p.Asp25Gly (NM_175038.2); c.107A>G (NM_001843.2); short protein forms D36G, D25G.
Identifiers: ClinVar variation 2075039 (VCV002075039.4), dbSNP rs770190844, ClinGen allele CA6516540.

ClinVar aggregate classification (germline): Uncertain significance. Review status: criteria provided, multiple submitters, no conflicts (2 of 4 stars). 2 submissions from 2 submitters: Uncertain significance (2). Last evaluated 2023-03-06.

Conditions:
Inborn genetic diseases. Identifiers: MedGen C0950123, MeSH D030342.
Compton-North congenital myopathy (CMYO12). Identifiers: Orphanet 210163, MedGen C2675527, MONDO:0012929, OMIM 612540.

Allele frequency attached by ClinVar (database versions not stated): gnomAD exomes 0.00001; ExAC 0.00002; TOPMed 0.00003; gnomAD 0.00005.
gnomAD v4.1: 28 of 1,613,080 alleles (0.0017%); highest among the groups gnomAD compares: Admixed American, 0.0083%; no homozygotes.

Submissions (2):

Ambry Genetics
Classification: Uncertain significance for Inborn genetic diseases. Last evaluated: 2023-03-06. Review status: criteria provided, single submitter. Criteria: Ambry Variant Classification Scheme 2023. Collection method: clinical testing. Allele origin: germline.

Labcorp Genetics (formerly Invitae), Labcorp
Classification: Uncertain significance for Compton-North congenital myopathy. Last evaluated: 2022-12-06. Review status: criteria provided, single submitter. Criteria: Invitae Variant Classification Sherloc (09022015). Collection method: clinical testing. Allele origin: germline.
Comment: In summary, the available evidence is currently insufficient to determine the role of this variant in disease. Therefore, it has been classified as a Variant of Uncertain Significance. Advanced modeling of protein sequence and biophysical properties (such as structural, functional, and spatial information, amino acid conservation, physicochemical variation, residue mobility, and thermodynamic stability) performed at Invitae indicates that this missense variant is not expected to disrupt CNTN1 protein function. This variant has not been reported in the literature in individuals affected with CNTN1-related conditions. This variant is present in population databases (rs770190844, gnomAD 0.006%). This sequence change replaces aspartic acid, which is acidic and polar, with glycine, which is neutral and non-polar, at codon 36 of the CNTN1 protein (p.Asp36Gly).